The following is an entry in ClinVar:

ClinVar aggregate classification (germline): Pathogenic (1 of 4 stars; one submission).

Conditions:
Perlman syndrome (PRLMNS). Identifiers: Orphanet 2849, MedGen C0796113, MONDO:0009965, OMIM 267000.

Submission:

Labcorp Genetics (formerly Invitae), Labcorp
Classification: Pathogenic for Perlman syndrome. Last evaluated: 2021-04-06. Review status: criteria provided, single submitter. Criteria: Invitae Variant Classification Sherloc (09022015). Collection method: clinical testing. Allele origin: germline.
Comment: For these reasons, this variant has been classified as Pathogenic. This sequence change creates a premature translational stop signal (p.Trp468*) in the DIS3L2 gene. It is expected to result in an absent or disrupted protein product. Loss-of-function variants in DIS3L2 are known to be pathogenic (PMID: 22306653, 28328139). This variant is not present in population databases (ExAC no frequency). This variant has not been reported in the literature in individuals with DIS3L2-related conditions. Algorithms developed to predict the effect of sequence changes on RNA splicing suggest that this variant may create or strengthen a splice site, but this prediction has not been confirmed by published transcriptional studies.

Literature cited by the submitters: PubMed 22306653; PubMed 28328139.

NM_152383.5(DIS3L2):c.1403G>A (p.Trp468Ter)

Gene: DIS3L2 (DIS3 like 3'-5' exoribonuclease 2; plus strand). Cytogenetic location: 2q37.1.
Variant type: single nucleotide variant.
Coding change: c.1403G>A on transcript NM_152383.5 (MANE Select); coding-DNA position 1403, G replaced by A.
Protein change: p.Trp468Ter; replaces tryptophan 468 with a stop codon.
Molecular consequence: nonsense. On other transcripts: non-coding transcript variant (2).
Genome position (GRCh38, 1-based): chr2:232,249,324, G>A. VCF-style: chr2-232249324-G-A. GRCh37 (hg19) VCF-style: chr2-233114034-G-A.
Other names: c.1403G>A, p.Trp468Ter (NM_001257281.2); short protein forms W468*.
Identifiers: ClinVar variation 1448959 (VCV001448959.6), dbSNP rs2106264887, ClinGen allele CA351155530.